The following is an entry in ClinVar:

ClinVar aggregate classification (germline): Uncertain significance. Review status: criteria provided, multiple submitters, no conflicts (2 of 4 stars). 3 submissions from 3 submitters: Uncertain significance (3). Last evaluated 2025-06-10.

Conditions:
Inborn genetic diseases. Identifiers: MedGen C0950123, MeSH D030342.

Allele frequency attached by ClinVar (database versions not stated): ExAC 0.00002; gnomAD exomes 0.00002 and 0.00003; gnomAD 0.00003 and 0.00004; TOPMed 0.00004; ESP Exome Variant Server 0.00015.
gnomAD v4.1: 55 of 1,607,110 alleles (0.0034%); highest among the groups gnomAD compares: East Asian, 0.0045%; no homozygotes.

Submissions (3):

Women's Health and Genetics/Laboratory Corporation of America, LabCorp
Classification: Uncertain significance. Last evaluated: 2025-06-10. Review status: criteria provided, single submitter. Criteria: LabCorp Variant Classification Summary - May 2015. Collection method: clinical testing. Allele origin: germline.
Comment: Variant summary: CRB2 c.2573C>T (p.Thr858Met) results in a non-conservative amino acid change in the encoded protein sequence. Algorithms developed to predict the effect of missense changes on protein structure and function all suggest that this variant is likely to be disruptive. The variant allele was found at a frequency of 2.1e-05 in 243442 control chromosomes (gnomAD). The available data on variant occurrences in the general population are insufficient to allow any conclusion about variant significance. To our knowledge, no occurrence of c.2573C>T in individuals affected with Focal Segmental Glomerulosclerosis 9 and no experimental evidence demonstrating its impact on protein function have been reported. ClinVar contains an entry for this variant (Variation ID: 1448550). Based on the evidence outlined above, the variant was classified as uncertain significance.

Ambry Genetics
Classification: Uncertain significance for Inborn genetic diseases. Last evaluated: 2023-12-04. Review status: criteria provided, single submitter. Criteria: Ambry Variant Classification Scheme 2023. Collection method: clinical testing. Allele origin: germline.

Labcorp Genetics (formerly Invitae), Labcorp
Classification: Uncertain significance. Last evaluated: 2021-11-17. Review status: criteria provided, single submitter. Criteria: Invitae Variant Classification Sherloc (09022015). Collection method: clinical testing. Allele origin: germline.
Comment: This variant has not been reported in the literature in individuals affected with CRB2-related conditions. This variant is present in population databases (rs375315089, gnomAD 0.004%). This sequence change replaces threonine, which is neutral and polar, with methionine, which is neutral and non-polar, at codon 858 of the CRB2 protein (p.Thr858Met). In summary, the available evidence is currently insufficient to determine the role of this variant in disease. Therefore, it has been classified as a Variant of Uncertain Significance. Advanced modeling of protein sequence and biophysical properties (such as structural, functional, and spatial information, amino acid conservation, physicochemical variation, residue mobility, and thermodynamic stability) performed at Invitae indicates that this missense variant is not expected to disrupt CRB2 protein function.

NM_173689.7(CRB2):c.2573C>T (p.Thr858Met)

Gene: CRB2 (crumbs cell polarity complex component 2; plus strand). Cytogenetic location: 9q33.3.
Variant type: single nucleotide variant.
Coding change: c.2573C>T on transcript NM_173689.7 (MANE Select); coding-DNA position 2573, C replaced by T.
Protein change: p.Thr858Met; replaces threonine 858 with methionine.
Molecular consequence: missense variant. On other transcripts: non-coding transcript variant (1).
Genome position (GRCh38, 1-based): chr9:123,372,313, C>T. VCF-style: chr9-123372313-C-T. GRCh37 (hg19) VCF-style: chr9-126134592-C-T.
Other names: c.2573C>T (NM_173689.5); short protein forms T858M.
Identifiers: ClinVar variation 1448550 (VCV001448550.8), dbSNP rs375315089, ClinGen allele CA5232251.
Genomic context (GRCh38, chr9:123,372,313, plus strand): 5'-CGGGGCCTACGTGTGCCCAGCAGCTGTGGTGTCCCGGCCAGCCCTGTCTCCCACCTGCCA[C>T]GTGTGAGGAGGTCCCTGATGGCTTTGTGTGTGAGTGTGTGTCCTGGGCAGCTCCCGTGCT-3'
Protein context (NP_775960.4, residues 848-868): CPGQPCLPPA[Thr858Met]CEEVPDGFVC